The following is an entry in ClinVar:

ClinVar aggregate classification (germline): Uncertain significance. Review status: criteria provided, multiple submitters, no conflicts (2 of 4 stars). 2 submissions from 2 submitters: Uncertain significance (2). Last evaluated 2021-01-25.

Conditions:
Autoinflammatory syndrome. Identifiers: Orphanet 93665, MedGen C3890737, MONDO:0019751.
Pityriasis rubra pilaris (PRP). Also called: Pityriasis rubra pilaris--familial type. Identifiers: Orphanet 2897, MedGen C0032027, MONDO:0100017, OMIM 173200, MONDO:0008251.
Psoriasis 2. Identifiers: MedGen C1864497, MONDO:0011269, OMIM 602723.

gnomAD v4.1: 11 of 1,613,642 alleles (0.00068%); highest among the groups gnomAD compares: Non-Finnish European, 0.00093%; no homozygotes.

Submissions (2):

Genome Diagnostics Laboratory, The Hospital for Sick Children
Classification: Uncertain significance for Autoinflammatory syndrome. Last evaluated: 2021-01-25. Review status: criteria provided, single submitter. Criteria: ACMG Guidelines, 2015. Collection method: clinical testing. Allele origin: germline. Affected: yes.

Labcorp Genetics (formerly Invitae), Labcorp
Classification: Uncertain significance for Pityriasis rubra pilaris; Psoriasis 2. Last evaluated: 2019-07-12. Review status: criteria provided, single submitter. Criteria: Invitae Variant Classification Sherloc (09022015). Collection method: clinical testing. Allele origin: germline.
Comment: This variant is not present in population databases (ExAC no frequency). This variant has not been reported in the literature in individuals with CARD14-related conditions. Algorithms developed to predict the effect of missense changes on protein structure and function (SIFT, PolyPhen-2, Align-GVGD) all suggest that this variant is likely to be tolerated, but these predictions have not been confirmed by published functional studies and their clinical significance is uncertain. In summary, the available evidence is currently insufficient to determine the role of this variant in disease. Therefore, it has been classified as a Variant of Uncertain Significance. This sequence change replaces phenylalanine with leucine at codon 390 of the CARD14 protein (p.Phe390Leu). The phenylalanine residue is highly conserved and there is a small physicochemical difference between phenylalanine and leucine.

NM_001366385.1(CARD14):c.1170C>A (p.Phe390Leu)

Gene: CARD14 (caspase recruitment domain family member 14; plus strand). Cytogenetic location: 17q25.3.
Variant type: single nucleotide variant.
Coding change: c.1170C>A on transcript NM_001366385.1 (MANE Select); coding-DNA position 1170, C replaced by A.
Protein change: p.Phe390Leu; replaces phenylalanine 390 with leucine.
Molecular consequence: missense variant. On other transcripts: non-coding transcript variant (1).
Genome position (GRCh38, 1-based): chr17:80,191,403, C>A. VCF-style: chr17-80191403-C-A. GRCh37 (hg19) VCF-style: chr17-78165202-C-A.
Other names: c.1170C>A, p.Phe390Leu (NM_024110.4, NM_001257970.1); c.459C>A, p.Phe153Leu (NM_052819.3); short protein forms F153L, F390L.
Identifiers: ClinVar variation 933837 (VCV000933837.13), dbSNP rs74951924, ClinGen allele CA401346216.